The following is an entry in ClinVar:

NM_000038.6(APC):c.238A>G (p.Ser80Gly)

Gene: APC (APC regulator of Wnt signaling pathway; plus strand). Cytogenetic location: 5q22.2.
Variant type: single nucleotide variant.
Coding change: c.238A>G on transcript NM_000038.6 (MANE Select); coding-DNA position 238, A replaced by G.
Protein change: p.Ser80Gly; replaces serine 80 with glycine.
Molecular consequence: missense variant. On other transcripts: 5 prime UTR variant (1).
Genome position (GRCh38, 1-based): chr5:112,767,206, A>G. VCF-style: chr5-112767206-A-G. GRCh37 (hg19) VCF-style: chr5-112102903-A-G.
Other names: c.238A>G, p.Ser80Gly (NM_001127510.3, NM_001354895.2, NM_001354896.2 and 2 more transcripts); c.268A>G, p.Ser90Gly (NM_001127511.3, NM_001354897.2, NM_001354902.2); c.163A>G, p.Ser55Gly (NM_001354898.2, NM_001354904.2); c.61A>G, p.Ser21Gly (NM_001354900.2, NM_001354901.2, NM_001354905.2); c.-798A>G (NM_001354906.2); short protein forms S55G, S90G, S21G, S80G.
Identifiers: ClinVar variation 923894 (VCV000923894.3), dbSNP rs1756431494, ClinGen allele CA16021864.

ClinVar aggregate classification (germline): Uncertain significance (1 of 4 stars; one submission).

Conditions:
Hereditary cancer-predisposing syndrome. Also called: Neoplastic Syndromes, Hereditary; Tumor predisposition; Hereditary Cancer Syndrome; Hereditary neoplastic syndrome. Identifiers: Orphanet 140162, MedGen C0027672, MeSH D009386, MONDO:0015356.

Submission:

Color Diagnostics, LLC DBA Color Health
Classification: Uncertain significance for Hereditary cancer-predisposing syndrome. Last evaluated: 2019-08-22. Review status: criteria provided, single submitter. Criteria: ACMG Guidelines, 2015. Collection method: clinical testing. Allele origin: germline.
Comment: This missense variant replaces serine with glycine at codon 80 of the APC protein. Computational prediction tools and conservation analyses are inconclusive regarding the impact of this variant on the protein function. Computational splicing tools suggest that this variant may not impact RNA splicing. To our knowledge, functional assays have not been performed for this variant nor has this variant been reported in individuals affected with hereditary cancer in the literature. This variant has not been identified in the general population by the Genome Aggregation Database (gnomAD). Available evidence is insufficient to determine the role of this variant in disease conclusively. Therefore, this variant is classified as a Variant of Uncertain Significance.